The following is an entry in ClinVar:

ClinVar aggregate classification (germline): Benign/Likely benign. Review status: criteria provided, multiple submitters, no conflicts (2 of 4 stars). 9 submissions from 9 submitters: Benign (1); Likely benign (7). 1 of the submissions does not count toward it. Last evaluated 2026-01-07.

Conditions:
Hereditary nonpolyposis colorectal neoplasms. Identifiers: MedGen C0009405, MeSH D003123.
Hereditary cancer-predisposing syndrome. Also called: Hereditary Cancer Syndrome; Hereditary neoplastic syndrome; Neoplastic Syndromes, Hereditary; Tumor predisposition. Identifiers: Orphanet 140162, MedGen C0027672, MeSH D009386, MONDO:0015356.
Lynch syndrome. Identifiers: Orphanet 144, MedGen C4552100, MONDO:0005835. Disease mechanism: loss of function.
Lynch syndrome 5 (LYNCH5). Also called: Hereditary non-polyposis colorectal cancer, type 5; Colorectal cancer, hereditary nonpolyposis, type 5. Identifiers: Orphanet 144, MedGen C1833477, MONDO:0013710, OMIM 614350. Disease mechanism: loss of function.

Allele frequency attached by ClinVar (database versions not stated): gnomAD 0.00001; gnomAD exomes 0.00001; TOPMed 0.00002.
gnomAD v4.1: 3 of 1,614,110 alleles (0.00019%); highest among the groups gnomAD compares: African/African-American, 0.0027%; no homozygotes.

Submissions (9):

Labcorp Genetics (formerly Invitae), Labcorp
Classification: Likely benign for Hereditary nonpolyposis colorectal neoplasms. Last evaluated: 2026-01-07. Review status: criteria provided, single submitter. Criteria: Invitae Variant Classification Sherloc (09022015). Collection method: clinical testing. Allele origin: germline.

Myriad Genetics, Inc.
Classification: Benign for Lynch syndrome 5. Last evaluated: 2025-01-06. Review status: criteria provided, single submitter. Criteria: Myriad Autosomal Dominant, Autosomal Recessive and X-Linked Classification Criteria (2023). Collection method: clinical testing. Allele origin: unknown.
Comment: This variant is considered benign. This variant is a silent/synonymous amino acid change and it is not expected to impact splicing.

All of Us Research Program, National Institutes of Health
Classification: Likely benign for Lynch syndrome. Last evaluated: 2023-05-31. Review status: criteria provided, single submitter. Criteria: ACMG Guidelines, 2015. Collection method: clinical testing. Allele origin: germline. Inheritance: Autosomal dominant inheritance. Observed: 1 variant allele, 1 heterozygote.
Comment: This study involves interpretation of variants in research participants for the purpose of population health screening. Participant phenotype was not available at the time of variant classification. Additional details can be found in publication PMID: 35346344, PMCID: PMC8962531

Quest Diagnostics Nichols Institute San Juan Capistrano
Classification: Likely benign. Last evaluated: 2021-07-20. Review status: criteria provided, single submitter. Criteria: Quest Diagnostics criteria. Collection method: clinical testing. Allele origin: unknown.

GeneDx
Classification: Likely benign. Last evaluated: 2019-08-08. Review status: criteria provided, single submitter. Criteria: GeneDx Variant Classification Process June 2021. Collection method: clinical testing. Allele origin: germline. Affected: yes.
Comment: See Variant Classification Assertion Criteria.

Genetic Services Laboratory, University of Chicago
Classification: Likely benign. Last evaluated: 2019-01-02. Review status: criteria provided, single submitter. Criteria: ACMG Guidelines, 2015. Collection method: clinical testing. Allele origin: germline. Affected: no.

Ambry Genetics
Classification: Likely benign for Hereditary cancer-predisposing syndrome. Last evaluated: 2018-01-16. Review status: criteria provided, single submitter. Criteria: Ambry Variant Classification Scheme 2023. Collection method: clinical testing. Allele origin: germline.

Color Diagnostics, LLC DBA Color Health
Classification: Likely benign for Hereditary cancer-predisposing syndrome. Last evaluated: 2016-05-02. Review status: criteria provided, single submitter. Criteria: ACMG Guidelines, 2015. Collection method: clinical testing. Allele origin: germline.

Mayo Clinic Laboratories, Mayo Clinic
Classification: Likely benign. Review status: no assertion criteria provided. Collection method: clinical testing. Allele origin: unknown. Not counted in ClinVar's aggregate classification.

NM_000179.3(MSH6):c.3396T>A (p.Val1132=)

Gene: MSH6 (mutS homolog 6; plus strand). Cytogenetic location: 2p16.3.
Variant type: single nucleotide variant.
Coding change: c.3396T>A on transcript NM_000179.3 (MANE Select); coding-DNA position 3396, T replaced by A.
Protein change: p.Val1132=; no amino-acid change (valine 1132 retained).
Molecular consequence: synonymous variant.
Genome position (GRCh38, 1-based): chr2:47,803,643, T>A. VCF-style: chr2-47803643-T-A. GRCh37 (hg19) VCF-style: chr2-48030782-T-A.
Other names: c.3006T>A, p.Val1002= (NM_001281492.2); c.2490T>A, p.Val830= (NM_001281493.2, NM_001281494.2).
Identifiers: ClinVar variation 455254 (VCV000455254.29), dbSNP rs1026907245, ClinGen allele CA46716102.